The following is an entry in ClinVar:

NM_005159.5(ACTC1):c.903A>G (p.Leu301=)

Genes: ACTC1 (actin alpha cardiac muscle 1; minus strand), GJD2-DT (GJD2 divergent transcript; plus strand). Cytogenetic location: 15q14.
Variant type: single nucleotide variant.
Coding change: c.903A>G on transcript NM_005159.5 (MANE Select); coding-DNA position 903, A replaced by G.
Protein change: p.Leu301=; no amino-acid change (leucine 301 retained).
Molecular consequence: synonymous variant.
Genome position (GRCh38, 1-based): chr15:34,791,201, T>C on the plus strand (A>G on the coding strand, the complement: ACTC1 is on the minus strand). VCF-style: chr15-34791201-T-C. GRCh37 (hg19) VCF-style: chr15-35083402-T-C.
Identifiers: ClinVar variation 45192 (VCV000045192.27), dbSNP rs138347995, ClinGen allele CA019987.

ClinVar aggregate classification (germline): Likely benign. Review status: criteria provided, multiple submitters, no conflicts (2 of 4 stars). 9 submissions from 9 submitters: Likely benign (9). Last evaluated 2026-01-19.

Conditions:
ACTC1-related disorder. Also called: ACTC1-related condition.
Cardiovascular phenotype. Identifiers: MedGen CN230736.
Hypertrophic cardiomyopathy 11. Also called: ACTC1-Related Familial Hypertrophic Cardiomyopathy. Identifiers: MedGen C2677506, MONDO:0012799, OMIM 612098.
Dilated cardiomyopathy 1R (CMD1R). Identifiers: Orphanet 154, Orphanet 54260, MedGen C3150681, MONDO:0013261, OMIM 613424.
Atrial septal defect 5 (ASD5). Identifiers: Orphanet 1478, MedGen C2748552, MONDO:0013011, OMIM 612794.
Cardiomyopathy (CMYO). Also called: Cardiomyopathies. Identifiers: Orphanet 167848, MedGen C0878544, MONDO:0004994, HP:0001638. Inheritance: Various modes of inheritance.
Hypertrophic cardiomyopathy. Also called: HYPERTROPHIC MYOCARDIOPATHY. Identifiers: Orphanet 217569, MedGen C0007194, MeSH D002312, MONDO:0005045, HP:0001639.

Allele frequency attached by ClinVar (database versions not stated): gnomAD 0.00002; ESP Exome Variant Server 0.00008; TOPMed 0.00005.

Submissions (9):

Labcorp Genetics (formerly Invitae), Labcorp
Classification: Likely benign for Dilated cardiomyopathy 1R; Hypertrophic cardiomyopathy 11; Atrial septal defect 5. Last evaluated: 2026-01-19. Review status: criteria provided, single submitter. Criteria: Invitae Variant Classification Sherloc (09022015). Collection method: clinical testing. Allele origin: germline.

PreventionGenetics, part of Exact Sciences
Classification: Likely benign for ACTC1-related condition. Last evaluated: 2025-06-11. Review status: criteria provided, single submitter. Criteria: ACMG Guidelines, 2015. Collection method: clinical testing. Allele origin: germline.
Comment: This variant is classified as likely benign based on ACMG/AMP sequence variant interpretation guidelines (Richards et al. 2015 PMID: 25741868, with internal and published modifications).

All of Us Research Program, National Institutes of Health
Classification: Likely benign for Hypertrophic cardiomyopathy. Last evaluated: 2024-01-11. Review status: criteria provided, single submitter. Criteria: ACMG Guidelines, 2015. Collection method: clinical testing. Allele origin: germline. Inheritance: Autosomal dominant inheritance. Observed: 20 variant alleles, 20 heterozygotes.
Comment: This study involves interpretation of variants in research participants for the purpose of population health screening. Participant phenotype was not available at the time of variant classification. Additional details can be found in publication PMID: 35346344, PMCID: PMC8962531

CHEO Genetics Diagnostic Laboratory, Children's Hospital of Eastern Ontario
Classification: Likely benign for Cardiomyopathy. Last evaluated: 2023-02-14. Review status: criteria provided, single submitter. Criteria: ACMG Guidelines, 2015. Collection method: clinical testing. Allele origin: germline. Study: Canadian Open Genetics Repository.

Blueprint Genetics
Classification: Likely benign. Last evaluated: 2021-10-13. Review status: criteria provided, single submitter. Criteria: ACMG Guidelines, 2015. Collection method: clinical testing. Allele origin: germline.

Color Diagnostics, LLC DBA Color Health
Classification: Likely benign for Cardiomyopathy. Last evaluated: 2018-10-22. Review status: criteria provided, single submitter. Criteria: ACMG Guidelines, 2015. Collection method: clinical testing. Allele origin: germline.

Ambry Genetics
Classification: Likely benign for Cardiovascular phenotype. Last evaluated: 2018-05-17. Review status: criteria provided, single submitter. Criteria: Ambry Variant Classification Scheme 2023. Collection method: clinical testing. Allele origin: germline.

GeneDx
Classification: Likely benign. Last evaluated: 2017-11-20. Review status: criteria provided, single submitter. Criteria: GeneDx Variant Classification (06012015). Collection method: clinical testing. Allele origin: germline. Affected: yes.
Comment: This variant is considered likely benign or benign based on one or more of the following criteria: it is a conservative change, it occurs at a poorly conserved position in the protein, it is predicted to be benign by multiple in silico algorithms, and/or has population frequency not consistent with disease.

Laboratory for Molecular Medicine, Mass General Brigham Personalized Medicine
Classification: Likely benign. Last evaluated: 2008-03-01. Review status: criteria provided, single submitter. Criteria: LMM Criteria. Collection method: clinical testing. Allele origin: germline. Observed: 1 variant allele.